The following is an entry in ClinVar:

ClinVar aggregate classification (germline): Pathogenic. Review status: criteria provided, multiple submitters, no conflicts (2 of 4 stars). 12 submissions from 12 submitters: Pathogenic (10). 2 of the submissions do not count toward it. Last evaluated 2025-10-22.

Conditions:
Inborn genetic diseases. Identifiers: MedGen C0950123, MeSH D030342.
Charcot-Marie-Tooth Neuropathy X. Identifiers: MedGen CN118851.
Charcot-Marie-Tooth disease. Also called: Charcot-Marie-Tooth Hereditary Neuropathy; Charcot-Marie-Tooth Neuropathy. Identifiers: Orphanet 166, MedGen C0007959, MONDO:0015626.
Charcot-Marie-Tooth disease X-linked dominant 1. Also called: HEREDITARY MOTOR AND SENSORY NEUROPATHY, X-LINKED; HMSN, X-LINKED; X-linked Charcot-Marie-Tooth disease type 1; GJB1 Disorders: Charcot-Marie-Tooth Neuropathy (CMT1X) and Central Nervous System Phenotypes; CHARCOT-MARIE-TOOTH NEUROPATHY, X-LINKED, 1; CHARCOT-MARIE-TOOTH PERONEAL MUSCULAR ATROPHY, X-LINKED. Identifiers: Orphanet 101075, MedGen C0393808, MONDO:0010549, OMIM 302800.

gnomAD v4.1: 1 of 1,207,684 alleles (0.000083%); highest among the groups gnomAD compares: Non-Finnish European, 0.00011%; no homozygotes.

Submissions (12):

Women's Health and Genetics/Laboratory Corporation of America, LabCorp
Classification: Pathogenic for Charcot-Marie-Tooth disease X-linked dominant 1. Last evaluated: 2025-10-22. Review status: criteria provided, single submitter. Criteria: LabCorp Variant Classification Summary - May 2015. Collection method: clinical testing. Allele origin: germline.
Comment: Variant summary: GJB1 c.658C>T (p.Arg220X) results in a premature termination codon in the last exon, predicted to cause a truncation of the encoded protein without resulting in nonsense mediated decay. The variant was absent in 180621 control chromosomes. c.658C>T has been observed in the heterozygous or hemizygous state in multiple individuals affected with Charcot-Marie-Tooth disease X-linked dominant 1 (Fairweather_1994, Ionasescu_1998). These data indicate that the variant is very likely to be associated with disease. The following publications have been ascertained in the context of this evaluation (PMID: 8162049, 10873293). ClinVar contains an entry for this variant (Variation ID: 10435). Based on the evidence outlined above, the variant was classified as pathogenic.

Labcorp Genetics (formerly Invitae), Labcorp
Classification: Pathogenic for Charcot-Marie-Tooth Neuropathy X. Last evaluated: 2025-10-21. Review status: criteria provided, single submitter. Criteria: Invitae Variant Classification Sherloc (09022015). Collection method: clinical testing. Allele origin: germline.
Comment: This sequence change creates a premature translational stop signal (p.Arg220*) in the GJB1 gene. While this is not anticipated to result in nonsense mediated decay, it is expected to disrupt the last 64 amino acid(s) of the GJB1 protein. This variant is not present in population databases (gnomAD no frequency). This premature translational stop signal has been observed in individuals with X-linked dominant Charcot-Marie-Tooth disease (PMID: 7477983, 8162049, 9364054, 21291455). It has also been observed to segregate with disease in related individuals. ClinVar contains an entry for this variant (Variation ID: 10435). Algorithms developed to predict the effect of variants on gene product structure and function are not available or were not evaluated for this variant. Experimental studies are conflicting or provide insufficient evidence to determine the effect of this variant on GJB1 function (PMID: 8816997, 9364054, 9592087). For these reasons, this variant has been classified as Pathogenic.

Athena Diagnostics
Classification: Pathogenic. Last evaluated: 2025-06-25. Review status: criteria provided, single submitter. Criteria: Athena Diagnostics Criteria. Collection method: clinical testing. Allele origin: unknown.
Comment: This variant is not expected to cause loss of protein expression through nonsense-mediated decay. However, it disrupts a substantial portion of the protein, and therefore, is expected to disrupt its function. The frequency of this variant in the general population is consistent with pathogenicity. (Genome Aggregation Database (gnomAD), Cambridge, MA (URL)) This variant has been identified in multiple unrelated individuals with clinical features associated with this gene. Assessment of experimental evidence suggests this variant results in abnormal protein function. (PMID: 27844031, 29077882, 38188670)

Mayo Clinic Laboratories, Mayo Clinic
Classification: Pathogenic. Last evaluated: 2025-01-29. Review status: criteria provided, single submitter. Criteria: ACMG Guidelines, 2015. Collection method: clinical testing. Allele origin: germline. Observed: 1 variant allele.
Comment: PM2_supporting, PS3_moderate, PS4, PVS1_strong

Natera, Inc.
Classification: Pathogenic for Charcot-Marie-Tooth disease. Last evaluated: 2024-08-15. Review status: criteria provided, single submitter. Criteria: Natera Variant Classification Schema (03/2026). Collection method: clinical testing. Allele origin: germline.
Comment: The c.658C>T variant in GJB1 is a nonsense variant predicted to introduce a stop codon at amino acid 220. This variant is expected to result in nonsense mediated decay, truncation, or a dysfunctional protein product. This variant is rare in the general population with a frequency below the threshold expected for the associated phenotype(s). This variant has been observed in affected individual(s) with monoallelic occurrence (heterozygous/hemizygous) (PMID: 32506583, 9818870, 10586284, 9401007, 32903794). Additionally, this variant has been observed to segregate in affected family members (PMID: 8958325). Functional studies show that this variant may disrupt protein function (PMID: 29077882). Given the available evidence, this variant is classified as Pathogenic.

Department of Clinical Genetics, Copenhagen University Hospital, Rigshospitalet
Classification: Pathogenic for Charcot-Marie-Tooth disease X-linked dominant 1. Last evaluated: 2024-06-20. Review status: criteria provided, single submitter. Criteria: ACMG Guidelines, 2015. Collection method: clinical testing. Allele origin: germline.
Comment: PVS1_Str, PS3_Str, PS4_Str, PP3_M

GeneDx
Classification: Pathogenic. Last evaluated: 2023-08-30. Review status: criteria provided, single submitter. Criteria: GeneDx Variant Classification Process June 2021. Collection method: clinical testing. Allele origin: germline. Affected: yes.
Comment: Published functional studies demonstrate incomplete channel assembly and significantly reduced currents (Nualart-Marti et al., 2013; Castro et al., 1999); Nonsense variant predicted to result in protein truncation in a gene for which loss of function is a known mechanism of disease; Not observed at significant frequency in large population cohorts (gnomAD); This variant is associated with the following publications: (PMID: 8737658, 7477983, 8958325, 21871435, 11571214, 30042657, 25025039, 9401007, 8076700, 24123415, 27228968, 16442804, 10234007, 23587648, 8816997, 9592087, 8162049, 21291455, 28448691, 27844031, 31211173, 30881289, 9364054, 29077882, 34429228, 37284795)

Ambry Genetics
Classification: Pathogenic for Inborn genetic diseases. Last evaluated: 2020-05-21. Review status: criteria provided, single submitter. Criteria: Ambry Variant Classification Scheme 2023. Collection method: clinical testing. Allele origin: germline.
Comment: The p.R220* pathogenic mutation (also known as c.658C>T), located in coding exon 1 of the GJB1 gene, results from a C to T substitution at nucleotide position 658. This changes the amino acid from an arginine to a stop codon within coding exon 1. This stop codon occurs at the 3' terminus of GJB1 and is not expected to trigger nonsense-mediated mRNA decay; however, it impacts the last 64 amino acids and removes approximately 23% of the protein. This alteration has been detected in multiple patients and families with X-linked dominant Charcot-Marie-Tooth disease and has been shown to co-segregate with disease (Fairweather N et al. Hum. Mol. Genet., 1994 Jan;3:29-34; Ionasescu VV. Cell Biol. Int., 1998 Nov;22:807-13; Tsai PC et al. Ann Clin Transl Neurol, 2016 11;3:854-865). Functional studies have demonstrated protein mislocalization and altered gap junction channel activity (Tsai PC et al. Ann Clin Transl Neurol, 2016 11;3:854-865; Ressot C et al. J. Neurosci., 1998 Jun;18:4063-75; Carrer A et al. Hum. Mol. Genet., 2018 01;27:80-94). This variant was not reported in population-based cohorts in the Genome Aggregation Database (gnomAD). Based on the supporting evidence, this alteration is interpreted as a disease-causing mutation.

Fulgent Genetics
Classification: Pathogenic for Charcot-Marie-Tooth disease X-linked dominant 1. Last evaluated: 2018-10-31. Review status: criteria provided, single submitter. Criteria: ACMG Guidelines, 2015. Collection method: clinical testing. Allele origin: unknown.

Eurofins Ntd Llc (ga)
Classification: Pathogenic. Last evaluated: 2015-04-01. Review status: criteria provided, single submitter. Criteria: EGL Classification Definitions 2015. Collection method: clinical testing. Allele origin: germline. Observed: 1 variant allele, 1 heterozygote.

Inherited Neuropathy Consortium Ii, University Of Miami
Classification: Uncertain significance for Charcot-Marie-Tooth disease X-linked dominant 1. Last evaluated: 2016-01-06. Review status: no assertion criteria provided. Collection method: literature only. Allele origin: germline. Affected: yes. Not counted in ClinVar's aggregate classification.

OMIM
Classification: Pathogenic for CHARCOT-MARIE-TOOTH DISEASE, X-LINKED DOMINANT, 1. Last evaluated: 2012-02-01. Review status: no assertion criteria provided. Collection method: literature only. Allele origin: germline. Not counted in ClinVar's aggregate classification.

Literature cited by the submitters: PubMed 8162049 (cited by 6 submitters); PubMed 10873293 (cited by 3 submitters); PubMed 7477983 (cited by 3 submitters); PubMed 9364054 (cited by 3 submitters); PubMed 21291455 (cited by 3 submitters); PubMed 8816997 (cited by Labcorp Genetics (formerly Invitae), Labcorp and Mayo Clinic Laboratories, Mayo Clinic); PubMed 9592087 (cited by 4 submitters); PubMed 8737658 (cited by Athena Diagnostics); PubMed 9401007 (cited by 3 submitters); PubMed 29077882 (cited by 3 submitters); PubMed 27844031 (cited by 3 submitters); PubMed 26989944 (cited by Athena Diagnostics); PubMed 37284795 (cited by 3 submitters); PubMed 28448691 (cited by Athena Diagnostics); PubMed 25025039 (cited by Athena Diagnostics and Mayo Clinic Laboratories, Mayo Clinic); PubMed 38188670 (cited by Athena Diagnostics); PubMed 11571214 (cited by Athena Diagnostics); PubMed 32903794 (cited by Athena Diagnostics and Natera, Inc.); PubMed 39140136 (cited by Athena Diagnostics); PubMed 16442804 (cited by Athena Diagnostics and Mayo Clinic Laboratories, Mayo Clinic); PubMed 31211173 (cited by Mayo Clinic Laboratories, Mayo Clinic); PubMed 32506583 (cited by Natera, Inc.); PubMed 9818870 (cited by Natera, Inc.); PubMed 10586284 (cited by Natera, Inc.); PubMed 8958325 (cited by Natera, Inc.).

NM_000166.6(GJB1):c.658C>T (p.Arg220Ter)

Gene: GJB1 (gap junction protein beta 1; plus strand). Cytogenetic location: Xq13.1.
Variant type: single nucleotide variant.
Coding change: c.658C>T on transcript NM_000166.6 (MANE Select); coding-DNA position 658, C replaced by T.
Protein change: p.Arg220Ter; replaces arginine 220 with a stop codon.
Molecular consequence: nonsense.
Genome position (GRCh38, 1-based): chrX:71,224,365, C>T. VCF-style: chrX-71224365-C-T. GRCh37 (hg19) VCF-style: chrX-70444215-C-T.
Other names: c.658C>T, p.Arg220Ter (NM_001097642.3); short protein forms R220*.
Identifiers: ClinVar variation 10435 (VCV000010435.29), dbSNP rs104894814, ClinGen allele CA255238.
Genomic context (GRCh38, chrX:71,224,365, plus strand): 5'-ATCTGCATCATCCTCAATGTGGCCGAGGTGGTGTACCTCATCATCCGGGCCTGTGCCCGC[C>T]GAGCCCAGCGCCGCTCCAATCCACCTTCCCGCAAGGGCTCGGGCTTCGGCCACCGCCTCT-3'